The following is an entry in ClinVar:

NM_004204.5(PIGQ):c.340G>A (p.Ala114Thr)

Gene: PIGQ (phosphatidylinositol glycan anchor biosynthesis class Q; plus strand). Cytogenetic location: 16p13.3.
Variant type: single nucleotide variant.
Coding change: c.340G>A on transcript NM_004204.5 (MANE Select); coding-DNA position 340, G replaced by A.
Protein change: p.Ala114Thr; replaces alanine 114 with threonine.
Molecular consequence: missense variant.
Genome position (GRCh38, 1-based): chr16:574,414, G>A. VCF-style: chr16-574414-G-A. GRCh37 (hg19) VCF-style: chr16-624414-G-A.
Other names: c.340G>A, p.Ala114Thr (NM_148920.4); short protein forms A114T.
Identifiers: ClinVar variation 1408808 (VCV001408808.8), dbSNP rs758619621, ClinGen allele CA7779844.

ClinVar aggregate classification (germline): Uncertain significance (1 of 4 stars; one submission).

Conditions:
Epilepsy. Also called: Seizure disorder. Identifiers: MedGen C0014544, MeSH D004827, MONDO:0005027.

Allele frequency attached by ClinVar (database versions not stated): gnomAD exomes below 0.00001; ExAC 0.00001.
gnomAD v4.1: 1 of 1,610,796 alleles (0.000062%); highest among the groups gnomAD compares: South Asian, 0.0011%; no homozygotes.

Submission:

Labcorp Genetics (formerly Invitae), Labcorp
Classification: Uncertain significance for Epilepsy. Last evaluated: 2022-08-23. Review status: criteria provided, single submitter. Criteria: Invitae Variant Classification Sherloc (09022015). Collection method: clinical testing. Allele origin: germline.
Comment: In summary, the available evidence is currently insufficient to determine the role of this variant in disease. Therefore, it has been classified as a Variant of Uncertain Significance. Algorithms developed to predict the effect of missense changes on protein structure and function output the following: SIFT: "Tolerated"; PolyPhen-2: "Benign"; Align-GVGD: "Class C0". The threonine amino acid residue is found in multiple mammalian species, which suggests that this missense change does not adversely affect protein function. ClinVar contains an entry for this variant (Variation ID: 1408808). This variant has not been reported in the literature in individuals affected with PIGQ-related conditions. The frequency data for this variant in the population databases is considered unreliable, as metrics indicate poor data quality at this position in the gnomAD database. This sequence change replaces alanine, which is neutral and non-polar, with threonine, which is neutral and polar, at codon 114 of the PIGQ protein (p.Ala114Thr).